The following is an entry in ClinVar:

ClinVar aggregate classification (germline): Uncertain significance (1 of 4 stars; one submission).

Conditions:
Familial sleep-related hypermotor epilepsy. Also called: Autosomal Dominant Sleep-Related Hypermotor (Hyperkinetic) Epilepsy. Identifiers: Orphanet 98784, MedGen C3696898, MONDO:0000030.

Submission:

Labcorp Genetics (formerly Invitae), Labcorp
Classification: Uncertain significance. Last evaluated: 2025-06-01. Review status: criteria provided, single submitter. Criteria: Invitae Variant Classification Sherloc (09022015). Collection method: clinical testing. Allele origin: germline.
Comment: This sequence change replaces lysine, which is basic and polar, with arginine, which is basic and polar, at codon 439 of the CHRNA4 protein (p.Lys439Arg). This variant is not present in population databases (gnomAD no frequency). This variant has not been reported in the literature in individuals affected with CHRNA4-related conditions. An algorithm developed to predict the effect of missense changes on protein structure and function (PolyPhen-2) suggests that this variant is likely to be tolerated. In summary, the available evidence is currently insufficient to determine the role of this variant in disease. Therefore, it has been classified as a Variant of Uncertain Significance.

NM_000744.7(CHRNA4):c.1316A>G (p.Lys439Arg)

Gene: CHRNA4 (cholinergic receptor nicotinic alpha 4 subunit; minus strand). Cytogenetic location: 20q13.33.
Variant type: single nucleotide variant.
Coding change: c.1316A>G on transcript NM_000744.7 (MANE Select); coding-DNA position 1316, A replaced by G.
Protein change: p.Lys439Arg; replaces lysine 439 with arginine.
Molecular consequence: missense variant. On other transcripts: non-coding transcript variant (1).
Genome position (GRCh38, 1-based): chr20:63,350,095, T>C on the plus strand (A>G on the coding strand, the complement: CHRNA4 is on the minus strand). VCF-style: chr20-63350095-T-C. GRCh37 (hg19) VCF-style: chr20-61981447-T-C.
Other names: c.788A>G, p.Lys263Arg (NM_001256573.2); short protein forms K263R, K439R.
Identifiers: ClinVar variation 4720547 (VCV004720547.1).